The following is an entry in ClinVar:

NM_000090.4(COL3A1):c.3143_3160dup (p.Gly1053_Pro1054insHisProGlyProProGly)

Gene: COL3A1 (collagen type III alpha 1 chain; plus strand). Cytogenetic location: 2q32.2.
Variant type: Duplication.
Coding change: c.3143_3160dup on transcript NM_000090.4 (MANE Select); coding-DNA positions 3143 to 3160, 18 bases duplicated (ATCCAGGCCCACCTGGTC).
Protein change: p.Gly1053_Pro1054insHisProGlyProProGly.
Molecular consequence: inframe insertion.
Genome position (GRCh38, 1-based): chr2:189,006,394-189,006,411, ATCCAGGCCCACCTGGTC duplicated; duplicating any 18 consecutive bases within chr2:189,006,387-189,006,411 gives the same sequence; the c. name uses the placement nearest the transcript's 3' end. VCF-style (leftmost placement, unchanged base first): chr2-189006386-T-TCCTGGTCATCCAGGCCCA. GRCh37 (hg19) VCF-style: chr2-189871112-T-TCCTGGTCATCCAGGCCCA.
Identifiers: ClinVar variation 2006377 (VCV002006377.4), dbSNP rs2469158167, ClinGen allele CA2580065261.

ClinVar aggregate classification (germline): Likely pathogenic (1 of 4 stars; one submission).

Conditions:
Ehlers-Danlos syndrome, type 4 (EDSVASC). Also called: Ehlers-Danlos syndrome vascular type; Ehlers Danlos syndrome, ecchymotic type; Ehlers Danlos syndrome, arterial type; Ehlers Danlos syndrome, Sack-Barabas type; Ehlers-Danlos Syndrome Type IV. Identifiers: Orphanet 286, MedGen C0268338, MONDO:0017314, OMIM 130050.

Submission:

Labcorp Genetics (formerly Invitae), Labcorp
Classification: Likely pathogenic for Ehlers-Danlos syndrome, type 4. Last evaluated: 2024-07-16. Review status: criteria provided, single submitter. Criteria: Invitae Variant Classification Sherloc (09022015). Collection method: clinical testing. Allele origin: germline.
Comment: This variant, c.3143_3160dup, results in the insertion of 6 amino acid(s) of the COL3A1 protein (p.His1048_Gly1053dup), but otherwise preserves the integrity of the reading frame. This variant is not present in population databases (gnomAD no frequency). This variant has been observed in individual(s) with clinical features of vascular Ehlers-Danlos syndrome (Invitae). In at least one individual the variant was observed to be de novo. ClinVar contains an entry for this variant (Variation ID: 2006377). Experimental studies and prediction algorithms are not available or were not evaluated, and the functional significance of this variant is currently unknown. In summary, the currently available evidence indicates that the variant is pathogenic, but additional data are needed to prove that conclusively. Therefore, this variant has been classified as Likely Pathogenic.